The following is an entry in ClinVar:

ClinVar aggregate classification (germline): Pathogenic. Review status: reviewed by expert panel (3 of 4 stars). 8 submissions from 8 submitters: Pathogenic (1). 7 of the submissions do not count toward it. Last evaluated 2017-12-08.

Conditions:
CFTR-related disorder (CFTR-RD). Also called: CFTR-related condition; CFTR-related disorders. Identifiers: MedGen C5924204, MONDO:7770004.
Cystic fibrosis (CF). Also called: MUCOVISCIDOSIS. Identifiers: Orphanet 586, MedGen C0010674, MONDO:0009061, OMIM 219700. Disease mechanism: loss of function.

Allele frequency attached by ClinVar (database versions not stated): gnomAD exomes below 0.00001.
gnomAD v4.1: 3 of 1,613,090 alleles (0.00019%); highest among the groups gnomAD compares: Non-Finnish European, 0.00025%; no homozygotes.

Submissions (8):

CFTR2
Classification: Pathogenic for Cystic fibrosis. Last evaluated: 2017-12-08. Review status: reviewed by expert panel. Criteria: Sosnay PR et al. (Nat Genet 2013). Collection method: research. Allele origin: germline. Affected: yes.

Women's Health and Genetics/Laboratory Corporation of America, LabCorp
Classification: Pathogenic for Cystic fibrosis. Last evaluated: 2025-12-26. Review status: criteria provided, single submitter. Criteria: LabCorp Variant Classification Summary - May 2015. Collection method: clinical testing. Allele origin: germline. Not counted in ClinVar's aggregate classification.
Comment: Variant summary: CFTR c.3476C>T (p.Ser1159Phe) results in a non-conservative amino acid change in the encoded protein sequence. Algorithms developed to predict the effect of missense changes on protein structure and function all suggest that this variant is likely to be disruptive. The variant allele was found at a frequency of 4e-06 in 250546 control chromosomes. c.3476C>T has been observed in multiple individuals affected with Cystic Fibrosis (examples: McCague_2019,Lakeman_2008). These data indicate that the variant is very likely to be associated with disease. A different variant affecting the same codon has been classified as likely pathogenic/pathogenic by our lab (c.3475T>C, p.Ser1159Pro), supporting the critical relevance of codon 1159 to CFTR protein function. At least one publication reports experimental evidence evaluating an impact on protein function. The most pronounced variant effect results in <10% of normal activity (Bihler_2024). The following publications have been ascertained in the context of this evaluation (PMID: 38388235, 30888834, 18373402). ClinVar contains an entry for this variant (Variation ID: 53757). Based on the evidence outlined above, the variant was classified as pathogenic.

Ambry Genetics
Classification: Pathogenic for Cystic fibrosis. Last evaluated: 2025-08-06. Review status: criteria provided, single submitter. Criteria: Ambry Variant Classification Scheme 2023. Collection method: clinical testing. Allele origin: germline. Not counted in ClinVar's aggregate classification.
Comment: The p.S1159F pathogenic mutation (also known as c.3476C>T), located in coding exon 22 of the CFTR gene, results from a C to T substitution at nucleotide position 3476. The serine at codon 1159 is replaced by phenylalanine, an amino acid with highly dissimilar properties. This variant has been identified in the homozygous state and/or in conjunction with other CFTR variant(s) in individual(s) with features consistent with cystic fibrosis (Hirtz S et al. Gastroenterology, 2004 Oct;127:1085-95; Shen Y et al. J Med Genet, 2022 Jul;60:310-5). This variant has been reported in multiple individuals with an elevated sweat chloride level in The Clinical and Functional TRanslation of CFTR (CFTR2) database (available at CFTR2. Accessed 08/06/2025). In an assay testing CFTR function, this variant showed a functionally abnormal result (Bihler H et al. J Cyst Fibros, 2024 Jul;23:664-675). This variant has <10% of wild type function in The Clinical and Functional TRanslation of CFTR (CFTR2) database (available at CFTR2. Accessed 08/06/2025). This amino acid position is highly conserved in available vertebrate species. In addition, this alteration is predicted to be deleterious by in silico analysis. Based on the supporting evidence, this variant is interpreted as a disease-causing mutation.

Natera, Inc.
Classification: Likely pathogenic for CFTR-related disorders. Last evaluated: 2025-08-06. Review status: criteria provided, single submitter. Criteria: Natera Variant Classification Schema (03/2026). Collection method: clinical testing. Allele origin: germline. Not counted in ClinVar's aggregate classification.
Comment: The c.3476C>T variant in CFTR is a missense variant predicted to cause substitution of serine to phenylalanine at amino acid 1159. This variant is rare in the general population with a frequency below the threshold expected for the associated phenotype(s). This variant has been observed in one or more individuals affected with the associated recessive disease, as either homozygous or compound heterozygous with a second variant (PMID: 34782259, 34764021, 30888834, 29504914, 18373402, 15480987, 10738007). A different variant at the same position has been determined to be Pathogenic or Likely Pathogenic. Computational prediction algorithms indicate this variant is likely to affect gene or protein function. Given the available evidence, this variant is classified as Likely Pathogenic.

Labcorp Genetics (formerly Invitae), Labcorp
Classification: Likely pathogenic for Cystic fibrosis. Last evaluated: 2023-12-30. Review status: criteria provided, single submitter. Criteria: Invitae Variant Classification Sherloc (09022015). Collection method: clinical testing. Allele origin: germline. Not counted in ClinVar's aggregate classification.
Comment: This sequence change replaces serine, which is neutral and polar, with phenylalanine, which is neutral and non-polar, at codon 1159 of the CFTR protein (p.Ser1159Phe). This variant is present in population databases (rs397508573, gnomAD 0.0009%). This missense change has been observed in individual(s) with cystic fibrosis (PMID: 10738007, 11379874, 18373402, 19202204, 23974870, 29504914, 29805046, 30938940, 34782259). ClinVar contains an entry for this variant (Variation ID: 53757). Advanced modeling of protein sequence and biophysical properties (such as structural, functional, and spatial information, amino acid conservation, physicochemical variation, residue mobility, and thermodynamic stability) performed at Invitae indicates that this missense variant is expected to disrupt CFTR protein function with a positive predictive value of 80%. Experimental studies have shown that this missense change affects CFTR function (PMID: 29805046, 30046002). In summary, the currently available evidence indicates that the variant is pathogenic, but additional data are needed to prove that conclusively. Therefore, this variant has been classified as Likely Pathogenic.

Institute of Human Genetics, University of Leipzig Medical Center
Classification: Pathogenic for Cystic fibrosis. Last evaluated: 2022-09-05. Review status: criteria provided, single submitter. Criteria: ACMG Guidelines, 2015. Collection method: curation. Allele origin: unknown. Affected: yes. Observed: 4 variant alleles. Not counted in ClinVar's aggregate classification.
Comment: This variant was identified in 4 unrelated patients with a clinically confirmed diagnosis of cystic fibrosis. The variant was classified in the context of a project re-classifying variants in the German Cystic Fibrosis Registry (Muko.e.V.). Criteria applied: PS3_SUP, PM2_SUP, PM3_STR, PM5, PP3, PP4

CFTR-France
Classification: Pathogenic for Cystic fibrosis. Last evaluated: 2020-03-26. Review status: criteria provided, single submitter. Criteria: Claustres M et al. (Hum Mutat 2017). Collection method: curation. Allele origin: germline. Affected: yes. Not counted in ClinVar's aggregate classification.

ClinVar Staff, National Center for Biotechnology Information (NCBI)
No classification provided. Condition: CFTR-related disorders. Review status: no classification provided. Collection method: literature only. Allele origin: germline. Affected: yes. Not counted in ClinVar's aggregate classification.

Literature cited by the submitters: PubMed 18373402 (cited by 4 submitters); PubMed 30888834 (cited by Women's Health and Genetics/Laboratory Corporation of America, LabCorp and Natera, Inc.); PubMed 38388235 (cited by Women's Health and Genetics/Laboratory Corporation of America, LabCorp and Ambry Genetics); PubMed 15480987 (cited by 3 submitters); PubMed 35858753 (cited by Ambry Genetics); PubMed 34782259 (cited by Natera, Inc. and Labcorp Genetics (formerly Invitae), Labcorp); PubMed 34764021 (cited by Natera, Inc.); PubMed 29504914 (cited by Natera, Inc. and Labcorp Genetics (formerly Invitae), Labcorp); PubMed 10738007 (cited by Natera, Inc. and Labcorp Genetics (formerly Invitae), Labcorp); PubMed 11379874 (cited by Labcorp Genetics (formerly Invitae), Labcorp); PubMed 19202204 (cited by Labcorp Genetics (formerly Invitae), Labcorp); PubMed 23974870 (cited by Labcorp Genetics (formerly Invitae), Labcorp); PubMed 29805046 (cited by Labcorp Genetics (formerly Invitae), Labcorp); PubMed 30938940 (cited by Labcorp Genetics (formerly Invitae), Labcorp); PubMed 30046002 (cited by Labcorp Genetics (formerly Invitae), Labcorp).

NM_000492.4(CFTR):c.3476C>T (p.Ser1159Phe)

Genes: CFTR (CF transmembrane conductance regulator; plus strand), CFTR-AS2 (CFTR antisense RNA 2; minus strand). Cytogenetic location: 7q31.2.
Variant type: single nucleotide variant.
Coding change: c.3476C>T on transcript NM_000492.4 (MANE Select); coding-DNA position 3476, C replaced by T.
Protein change: p.Ser1159Phe; replaces serine 1159 with phenylalanine.
Molecular consequence: missense variant.
Genome position (GRCh38, 1-based): chr7:117,627,529, C>T. VCF-style: chr7-117627529-C-T. GRCh37 (hg19) VCF-style: chr7-117267583-C-T.
Other names: short protein forms S1159F.
Identifiers: ClinVar variation 53757 (VCV000053757.11), dbSNP rs397508573, ClinGen allele CA327210.